The following is an entry in ClinVar:

NM_001184.4(ATR):c.5554G>A (p.Val1852Met)

Gene: ATR (ATR checkpoint kinase; minus strand). Cytogenetic location: 3q23.
Variant type: single nucleotide variant.
Coding change: c.5554G>A on transcript NM_001184.4 (MANE Select); coding-DNA position 5554, G replaced by A.
Protein change: p.Val1852Met; replaces valine 1852 with methionine.
Molecular consequence: missense variant.
Genome position (GRCh38, 1-based): chr3:142,498,601, C>T on the plus strand (G>A on the coding strand, the complement: ATR is on the minus strand). VCF-style: chr3-142498601-C-T. GRCh37 (hg19) VCF-style: chr3-142217443-C-T.
Other names: c.5362G>A, p.Val1788Met (NM_001354579.2); short protein forms V1788M, V1852M.
Identifiers: ClinVar variation 3221214 (VCV003221214.1), dbSNP rs2108340517, ClinGen allele CA354815323.

ClinVar aggregate classification (germline): Uncertain significance (1 of 4 stars; one submission).

Conditions:
Inborn genetic diseases. Identifiers: MedGen C0950123, MeSH D030342.

Submission:

Ambry Genetics
Classification: Uncertain significance for Inborn genetic diseases. Last evaluated: 2023-12-23. Review status: criteria provided, single submitter. Criteria: Ambry Variant Classification Scheme 2023. Collection method: clinical testing. Allele origin: germline.
Comment: The p.V1852M variant (also known as c.5554G>A), located in coding exon 32 of the ATR gene, results from a G to A substitution at nucleotide position 5554. The valine at codon 1852 is replaced by methionine, an amino acid with highly similar properties. This amino acid position is conserved. In addition, the in silico prediction for this alteration is inconclusive. Since supporting evidence is limited at this time, the clinical significance of this alteration remains unclear.